The following is an entry in ClinVar:

ClinVar aggregate classification (germline): Conflicting classifications of pathogenicity. Review status: criteria provided, conflicting classifications (1 of 4 stars). 2 submissions from 2 submitters: Likely pathogenic (1); Uncertain significance (1). Last evaluated 2023-01-06.

Conditions:
NKX2-5-related disorder. Also called: NKX2-5-related condition.
Cardiovascular phenotype. Identifiers: MedGen CN230736.

Submissions (2):

Ambry Genetics
Classification: Uncertain significance for Cardiovascular phenotype. Last evaluated: 2023-01-06. Review status: criteria provided, single submitter. Criteria: Ambry Variant Classification Scheme 2023. Collection method: clinical testing. Allele origin: germline.
Comment: The p.F145L variant (also known as c.435C>G), located in coding exon 2 of the NKX2-5 gene, results from a C to G substitution at nucleotide position 435. The phenylalanine at codon 145 is replaced by leucine, an amino acid with highly similar properties. This alteration has been reported in a large family and some family members are noted to have cardiomyopathy, arrhythmia and some family members are reported to be unaffected (Sveinbjornsson G et al. Circ Genom Precis Med, 2018 Aug;11:e002151). This amino acid position is highly conserved in available vertebrate species. In addition, this alteration is predicted to be deleterious by in silico analysis. Since supporting evidence is limited at this time, the clinical significance of this alteration remains unclear.

Blueprint Genetics
Classification: Likely pathogenic for NKX2-5-related disorders. Last evaluated: 2020-08-19. Review status: criteria provided, single submitter. Criteria: ACMG Guidelines, 2015. Collection method: clinical testing. Allele origin: germline. Affected: yes. Observed: 1 variant allele.

Literature cited by the submitters: PubMed 30354339 (cited by Ambry Genetics).

NM_004387.4(NKX2-5):c.435C>G (p.Phe145Leu)

Gene: NKX2-5 (NK2 homeobox 5; minus strand). Cytogenetic location: 5q35.1.
Variant type: single nucleotide variant.
Coding change: c.435C>G on transcript NM_004387.4 (MANE Select); coding-DNA position 435, C replaced by G.
Protein change: p.Phe145Leu; replaces phenylalanine 145 with leucine.
Molecular consequence: missense variant. On other transcripts: 3 prime UTR variant (2).
Genome position (GRCh38, 1-based): chr5:173,233,109, G>C on the plus strand (C>G on the coding strand, the complement: NKX2-5 is on the minus strand). VCF-style: chr5-173233109-G-C. GRCh37 (hg19) VCF-style: chr5-172660112-G-C.
Other names: c.*388C>G (NM_001166175.2); c.*234C>G (NM_001166176.2); short protein forms F145L.
Identifiers: ClinVar variation 2452059 (VCV002452059.3), dbSNP rs758277832, ClinGen allele CA132259310.